The following is an entry in ClinVar:

ClinVar aggregate classification (germline): Uncertain significance (1 of 4 stars; one submission).

Conditions:
SLCO1B3-related disorder. Also called: SLCO1B3-related condition.

Submission:

PreventionGenetics, part of Exact Sciences
Classification: Uncertain significance for SLCO1B3-related condition. Last evaluated: 2025-05-28. Review status: criteria provided, single submitter. Criteria: ACMG Guidelines, 2015. Collection method: clinical testing. Allele origin: germline.
Comment: The SLCO1B3 c.301T>A variant is predicted to result in the amino acid substitution p.Cys101Ser. To our knowledge, this variant has not been reported in the literature. This variant is reported in 0.0058% of alleles in individuals of Latino descent in gnomAD. At this time, the clinical significance of this variant is uncertain due to the absence of conclusive functional and genetic evidence.

NM_019844.4(SLCO1B3):c.301T>A (p.Cys101Ser)

Genes: SLCO1B3 (solute carrier organic anion transporter family member 1B3; plus strand), SLCO1B3-SLCO1B7 (SLCO1B3-SLCO1B7 readthrough; plus strand). Cytogenetic location: 12p12.2.
Variant type: single nucleotide variant.
Coding change: c.301T>A on transcript NM_019844.4 (MANE Select); coding-DNA position 301, T replaced by A.
Protein change: p.Cys101Ser; replaces cysteine 101 with serine.
Molecular consequence: missense variant.
Genome position (GRCh38, 1-based): chr12:20,858,513, T>A. VCF-style: chr12-20858513-T-A. GRCh37 (hg19) VCF-style: chr12-21011447-T-A.
Other names: c.301T>A, p.Cys101Ser (NM_001371097.1); c.217T>A, p.Cys73Ser (NM_001349920.2); short protein forms C101S, C73S.
Identifiers: ClinVar variation 4997174 (VCV004997174.1).